The following is an entry in ClinVar:

NM_017534.6(MYH2):c.5414A>C (p.Glu1805Ala)

Genes: MYH2 (myosin heavy chain 2; minus strand), MYHAS (myosin heavy chain gene cluster antisense RNA; plus strand). Cytogenetic location: 17p13.1.
Variant type: single nucleotide variant.
Coding change: c.5414A>C on transcript NM_017534.6 (MANE Select); coding-DNA position 5414, A replaced by C.
Protein change: p.Glu1805Ala; replaces glutamic acid 1805 with alanine.
Molecular consequence: missense variant.
Genome position (GRCh38, 1-based): chr17:10,523,554, T>G on the plus strand (A>C on the coding strand, the complement: MYH2 is on the minus strand). VCF-style: chr17-10523554-T-G. GRCh37 (hg19) VCF-style: chr17-10426871-T-G.
Other names: c.5414A>C, p.Glu1805Ala (NM_001100112.2); short protein forms E1805A.
Identifiers: ClinVar variation 2003032 (VCV002003032.4), dbSNP rs2073310462, ClinGen allele CA398116018.
Genomic context (GRCh38, chr17:10,523,554, plus strand): 5'-ACCCTGGCCTCCAGTTTCTGGATCTGCTTCTTCCCACCCTTCAGGGCCAGCTGCTCAGCC[T>G]CATCCAGACGGAGCTGCAGATCCTTCACGGTCTGCTCCATGTTCTTCTTCATCCGCTCCA-3'
Protein context (NP_060004.3, residues 1795-1815): TVKDLQLRLD[Glu1805Ala]AEQLALKGGK

ClinVar aggregate classification (germline): Uncertain significance (1 of 4 stars; one submission).

Conditions:
Myopathy, proximal, and ophthalmoplegia (CMYO6). Also called: MYOPATHY WITH CONGENITAL JOINT CONTRACTURES, OPHTHALMOPLEGIA, AND RIMMED VACUOLES; CONGENITAL MYOPATHY 6 WITH OPHTHALMOPLEGIA; INCLUSION BODY MYOPATHY 3, AUTOSOMAL DOMINANT. Identifiers: Orphanet 363677, Orphanet 79091, MedGen C1854106, MONDO:0011577, OMIM 605637.

Submission:

Labcorp Genetics (formerly Invitae), Labcorp
Classification: Uncertain significance for Myopathy, proximal, and ophthalmoplegia. Last evaluated: 2022-11-22. Review status: criteria provided, single submitter. Criteria: Invitae Variant Classification Sherloc (09022015). Collection method: clinical testing. Allele origin: germline.
Comment: This sequence change replaces glutamic acid, which is acidic and polar, with alanine, which is neutral and non-polar, at codon 1805 of the MYH2 protein (p.Glu1805Ala). This variant is not present in population databases (gnomAD no frequency). This variant has not been reported in the literature in individuals affected with MYH2-related conditions. Algorithms developed to predict the effect of missense changes on protein structure and function (SIFT, PolyPhen-2, Align-GVGD) all suggest that this variant is likely to be disruptive. In summary, the available evidence is currently insufficient to determine the role of this variant in disease. Therefore, it has been classified as a Variant of Uncertain Significance.